The following is an entry in ClinVar:

ClinVar aggregate classification (germline): Pathogenic/Likely pathogenic. Review status: criteria provided, multiple submitters, no conflicts (2 of 4 stars). 5 submissions from 5 submitters: Pathogenic (2); Likely pathogenic (3). Last evaluated 2025-09-08.

Conditions:
Pierson syndrome. Also called: MICROCORIA-CONGENITAL NEPHROTIC SYNDROME. Identifiers: Orphanet 2670, MedGen C1836876, MONDO:0012184, OMIM 609049.
LAMB2-related infantile-onset nephrotic syndrome. Also called: Nephrotic Syndrome, type 5; NEPHROTIC SYNDROME, TYPE 5, WITHOUT OCULAR ABNORMALITIES; NEPHROTIC SYNDROME, TYPE 5, WITH OCULAR ABNORMALITIES. Identifiers: Orphanet 306507, MedGen C3280113, MONDO:0013621, OMIM 614199.
LAMB2-related disorder. Also called: LAMB2-related condition.

Submissions (5):

PreventionGenetics, part of Exact Sciences
Classification: Likely pathogenic for LAMB2-related condition. Last evaluated: 2025-09-08. Review status: criteria provided, single submitter. Criteria: ACMG Guidelines, 2015. Collection method: clinical testing. Allele origin: germline.
Comment: The LAMB2 c.4611_4621del11 variant is predicted to result in a frameshift and premature protein termination (p.Thr1538Argfs*9). To our knowledge, this variant has not been reported in any affected individuals in the literature. This variant is reported in 0.011% of alleles in individuals of African descent in gnomAD. Frameshift variants in LAMB2 are expected to be pathogenic. This variant is interpreted as likely pathogenic.

Labcorp Genetics (formerly Invitae), Labcorp
Classification: Pathogenic for LAMB2-related infantile-onset nephrotic syndrome; Pierson syndrome. Last evaluated: 2024-09-11. Review status: criteria provided, single submitter. Criteria: Invitae Variant Classification Sherloc (09022015). Collection method: clinical testing. Allele origin: germline.
Comment: This sequence change creates a premature translational stop signal (p.Thr1538Argfs*9) in the LAMB2 gene. It is expected to result in an absent or disrupted protein product. Loss-of-function variants in LAMB2 are known to be pathogenic (PMID: 15367484). This variant is present in population databases (no rsID available, gnomAD 0.01%). This variant has not been reported in the literature in individuals affected with LAMB2-related conditions. ClinVar contains an entry for this variant (Variation ID: 451720). Algorithms developed to predict the effect of sequence changes on RNA splicing suggest that this variant may disrupt the consensus splice site. For these reasons, this variant has been classified as Pathogenic.

Fulgent Genetics
Classification: Likely pathogenic for Pierson syndrome; LAMB2-related infantile-onset nephrotic syndrome. Last evaluated: 2024-01-06. Review status: criteria provided, single submitter. Criteria: ACMG Guidelines, 2015. Collection method: clinical testing. Allele origin: germline.

Blueprint Genetics
Classification: Likely pathogenic for LAMB2-related disorders. Last evaluated: 2022-11-02. Review status: criteria provided, single submitter. Criteria: ACMG Guidelines, 2015. Collection method: clinical testing. Allele origin: germline. Affected: yes. Observed: 2 variant alleles.

GeneDx
Classification: Pathogenic. Last evaluated: 2017-08-23. Review status: criteria provided, single submitter. Criteria: GeneDx Variant Classification (06012015). Collection method: clinical testing. Allele origin: germline. Affected: yes.
Comment: The c.4611_4621del11 variant in the LAMB2 gene has not been reported previously as a pathogenic variant nor as a benign variant, to our knowledge. The c.4611_4621del11 variant causes a frameshift starting with codon Threonine 1538, changes this amino acid to an Arginine residue, and creates a premature Stop codon at position 9 of the new reading frame, denoted p.Thr1538ArgfsX9. This variant is predicted to cause loss of normal protein function either through protein truncation or nonsense-mediated mRNA decay. The c.4611_4621del11 variant is not observed in large population cohorts (Lek et al., 2016; 1000 Genomes Consortium et al., 2015; Exome Variant Server). We interpret c.4611_4621del11 as a pathogenic variant.

Literature cited by the submitters: PubMed 15367484 (cited by Labcorp Genetics (formerly Invitae), Labcorp).

NM_002292.4(LAMB2):c.4611_4621del (p.Thr1538fs)

Gene: LAMB2 (laminin subunit beta 2; minus strand). Cytogenetic location: 3p21.31.
Variant type: Deletion.
Coding change: c.4611_4621del on transcript NM_002292.4 (MANE Select); coding-DNA positions 4611 to 4621, 11 bases deleted (CACACGGGTGC).
Protein change: p.Thr1538fs; shifts the reading frame from threonine 1538.
Molecular consequence: frameshift variant.
Genome position (GRCh38, 1-based): chr3:49,122,323-49,122,333, GCACCCGTGTG deleted on the plus strand (CACACGGGTGC on the coding strand, the reverse complement: LAMB2 is on the minus strand); deleting any 11 consecutive bases within chr3:49,122,323-49,122,335 gives the same sequence; the c. name uses the placement nearest the transcript's 3' end. VCF-style (leftmost placement, unchanged base first): chr3-49122322-AGCACCCGTGTG-A. GRCh37 (hg19) VCF-style: chr3-49159755-AGCACCCGTGTG-A.
Other names: c.4611_4621del11 (NM_002292.3); short protein forms T1538fs.
Identifiers: ClinVar variation 451720 (VCV000451720.7), dbSNP rs1384293775, ClinGen allele CA543048837.
Genomic context (GRCh38, chr3:49,122,322, plus strand): 5'-TCTGCAATCGCACCCGCCAGGTGCTGGATCTGCTCAGCTGAAGCTGGGATGGAGAGCTCT[AGCACCCGTGTG>A]GCCACCATTTCAATGCTATCAGGATCAGCCCCCTCCTCTATAGGGACACAGCAAGAACTT-3'